The following is an entry in ClinVar:

ClinVar aggregate classification (germline): Uncertain significance (1 of 4 stars; one submission).

Conditions:
Tuberous sclerosis 2 (TSC2). Identifiers: Orphanet 805, MedGen C1860707, MONDO:0013199, OMIM 613254.

Submission:

Labcorp Genetics (formerly Invitae), Labcorp
Classification: Uncertain significance for Tuberous sclerosis 2. Last evaluated: 2025-07-10. Review status: criteria provided, single submitter. Criteria: Invitae Variant Classification Sherloc (09022015). Collection method: clinical testing. Allele origin: germline.
Comment: This sequence change replaces valine, which is neutral and non-polar, with alanine, which is neutral and non-polar, at codon 170 of the TSC2 protein (p.Val170Ala). This variant is not present in population databases (gnomAD no frequency). This variant has not been reported in the literature in individuals affected with TSC2-related conditions. ClinVar contains an entry for this variant (Variation ID: 834477). Invitae Evidence Modeling of protein sequence and biophysical properties (such as structural, functional, and spatial information, amino acid conservation, physicochemical variation, residue mobility, and thermodynamic stability) indicates that this missense variant is not expected to disrupt TSC2 protein function with a negative predictive value of 95%. In summary, the available evidence is currently insufficient to determine the role of this variant in disease. Therefore, it has been classified as a Variant of Uncertain Significance.

NM_000548.5(TSC2):c.509T>C (p.Val170Ala)

Gene: TSC2 (TSC complex subunit 2; plus strand). Cytogenetic location: 16p13.3.
Variant type: single nucleotide variant.
Coding change: c.509T>C on transcript NM_000548.5 (MANE Select); coding-DNA position 509, T replaced by C.
Protein change: p.Val170Ala; replaces valine 170 with alanine.
Molecular consequence: missense variant. On other transcripts: intron variant (1).
Genome position (GRCh38, 1-based): chr16:2,055,429, T>C. VCF-style: chr16-2055429-T-C. GRCh37 (hg19) VCF-style: chr16-2105430-T-C.
Other names: c.509T>C, p.Val170Ala (NM_001077183.3, NM_001114382.3, NM_001363528.2 and 3 more transcripts); c.398T>C, p.Val133Ala (NM_001318827.2); c.362T>C, p.Val121Ala (NM_001318829.2); c.542T>C, p.Val181Ala (NM_001318832.2); c.-1-767T>C (NM_001318831.2); short protein forms V170A, V133A, V181A, V121A.
Identifiers: ClinVar variation 834477 (VCV000834477.9), dbSNP rs2085658266, ClinGen allele CA394309232.
Genomic context (GRCh38, chr16:2,055,429, plus strand): 5'-CGTCCTCGCAAACTGCCGCCGCTTCTCCCCCAGCTGACTTTGTCCTGCAGTGGATGGATG[T>C]TGGCTTGTCCTCGGAATTCCTTCTGGTGCTGGTGAACTTGGTCAAATTCAATAGCTGTTA-3'
Protein context (NP_000539.2, residues 160-180): LADFVLQWMD[Val170Ala]GLSSEFLLVL